The following is an entry in ClinVar:

ClinVar aggregate classification (germline): Uncertain significance (1 of 4 stars; one submission).

Conditions:
Hereditary sensory and autonomic neuropathy type 6. Also called: HSAN VI; Neuropathy, hereditary sensory and autonomic, type VI. Identifiers: Orphanet 314381, MedGen C3539003, MONDO:0013839, OMIM 614653.
Epidermolysis bullosa simplex 3, localized or generalized intermediate, with BP230 deficiency (EBS3). Also called: Epidermolysis bullosa simplex, autosomal recessive 2; Epidermolysis bullosa simplex due to BP230 deficiency. Identifiers: Orphanet 412181, MedGen C3809470, MONDO:0014180, OMIM 615425.

Allele frequency attached by ClinVar (database versions not stated): gnomAD exomes below 0.00001; gnomAD 0.00001; TOPMed 0.00002.
gnomAD v4.1: 6 of 1,613,990 alleles (0.00037%); highest among the groups gnomAD compares: Non-Finnish European, 0.00051%; no homozygotes.

Submission:

Labcorp Genetics (formerly Invitae), Labcorp
Classification: Uncertain significance for Epidermolysis bullosa simplex 3, localized or generalized intermediate, with BP230 deficiency; Hereditary sensory and autonomic neuropathy type 6. Last evaluated: 2021-08-31. Review status: criteria provided, single submitter. Criteria: Invitae Variant Classification Sherloc (09022015). Collection method: clinical testing. Allele origin: germline.
Comment: This sequence change replaces arginine with glutamine at codon 2554 of the DST protein (p.Arg2554Gln). The arginine residue is highly conserved and there is a small physicochemical difference between arginine and glutamine. This variant is not present in population databases (ExAC no frequency). This variant has not been reported in the literature in individuals affected with DST-related conditions. Algorithms developed to predict the effect of missense changes on protein structure and function (SIFT, PolyPhen-2, Align-GVGD) all suggest that this variant is likely to be disruptive. In summary, the available evidence is currently insufficient to determine the role of this variant in disease. Therefore, it has been classified as a Variant of Uncertain Significance.

NM_001723.7(DST):c.7661G>A (p.Arg2554Gln)

Gene: DST (dystonin; minus strand). Cytogenetic location: 6p12.1.
Variant type: single nucleotide variant.
Coding change: c.7661G>A on transcript NM_001723.7 (MANE Plus Clinical); coding-DNA position 7661, G replaced by A.
Protein change: p.Arg2554Gln; replaces arginine 2554 with glutamine.
Molecular consequence: missense variant. On other transcripts: intron variant (10).
Genome position (GRCh38, 1-based): chr6:56,615,806, C>T on the plus strand (G>A on the coding strand, the complement: DST is on the minus strand). VCF-style: chr6-56615806-C-T. GRCh37 (hg19) VCF-style: chr6-56480604-C-T.
Other names: c.4831-1322G>A (NM_001144769.5); c.4930-1322G>A (NM_001374722.1, NM_001374736.1); c.4957-1322G>A (NM_001374734.1); c.4417-1322G>A (NM_001144770.2); c.4297-1322G>A (NM_001374730.1, NM_001386100.1, NM_183380.4 and 1 more transcripts); c.3319-1322G>A (NM_015548.5); short protein forms R2554Q.
Identifiers: ClinVar variation 642880 (VCV000642880.6), dbSNP rs1290425280, ClinGen allele CA364562520.
Genomic context (GRCh38, chr6:56,615,806, plus strand): 5'-AACCGAGAGTGAACCTGTGGCTCTATCAACCCTCCTGTCAAGTACTGAAATTCCAAACAT[C>T]GGATTCCCATTTCCTTATTTATAATATTTGCATTCACAGCTTCCACCACTGACATCATTT-3'
Protein context (NP_001714.1, residues 2544-2564): ANIINKEMGI[Arg2554Gln]CLEFQYLTGG